The following is an entry in ClinVar:

NM_015898.4(ZBTB7A):c.1496G>C (p.Arg499Pro)

Gene: ZBTB7A (zinc finger and BTB domain containing 7A; minus strand). Cytogenetic location: 19p13.3.
Variant type: single nucleotide variant.
Coding change: c.1496G>C on transcript NM_015898.4 (MANE Select); coding-DNA position 1496, G replaced by C.
Protein change: p.Arg499Pro; replaces arginine 499 with proline.
Molecular consequence: missense variant.
Genome position (GRCh38, 1-based): chr19:4,048,011, C>G on the plus strand (G>C on the coding strand, the complement: ZBTB7A is on the minus strand). VCF-style: chr19-4048011-C-G. GRCh37 (hg19) VCF-style: chr19-4048009-C-G.
Other names: c.1496G>C, p.Arg499Pro (NM_001317990.2); short protein forms R499P.
Identifiers: ClinVar variation 4998121 (VCV004998121.1).

ClinVar aggregate classification (germline): Uncertain significance (1 of 4 stars; one submission).

Conditions:
ZBTB7A-related disorder. Also called: ZBTB7A-related condition.

Submission:

PreventionGenetics, part of Exact Sciences
Classification: Uncertain significance for ZBTB7A-related condition. Last evaluated: 2025-03-26. Review status: criteria provided, single submitter. Criteria: ACMG Guidelines, 2015. Collection method: clinical testing. Allele origin: germline.
Comment: The ZBTB7A c.1496G>C variant is predicted to result in the amino acid substitution p.Arg499Pro. To our knowledge, this variant has not been reported in the literature or in a large population database (gnomAD), indicating this variant is rare. At this time, the clinical significance of this variant is uncertain due to the absence of conclusive functional and genetic evidence.